The following is an entry in ClinVar:

ClinVar aggregate classification (germline): Uncertain significance (1 of 4 stars; one submission).

Conditions:
Cardiovascular phenotype. Identifiers: MedGen CN230736.

Submission:

Ambry Genetics
Classification: Uncertain significance for Cardiovascular phenotype. Last evaluated: 2021-06-22. Review status: criteria provided, single submitter. Criteria: Ambry Variant Classification Scheme 2023. Collection method: clinical testing. Allele origin: germline.
Comment: The p.P55A variant (also known as c.163C>G), located in coding exon 2 of the GPIHBP1 gene, results from a C to G substitution at nucleotide position 163. The proline at codon 55 is replaced by alanine, an amino acid with highly similar properties. This amino acid position is conserved. In addition, this alteration is predicted to be tolerated by in silico analysis. Since supporting evidence is limited at this time, the clinical significance of this alteration remains unclear.

NM_178172.6(GPIHBP1):c.163C>G (p.Pro55Ala)

Gene: GPIHBP1 (glycosylphosphatidylinositol anchored high density lipoprotein binding protein 1; plus strand). Cytogenetic location: 8q24.3.
Variant type: single nucleotide variant.
Coding change: c.163C>G on transcript NM_178172.6 (MANE Select); coding-DNA position 163, C replaced by G.
Protein change: p.Pro55Ala; replaces proline 55 with alanine.
Molecular consequence: missense variant.
Genome position (GRCh38, 1-based): chr8:143,213,932, C>G. VCF-style: chr8-143213932-C-G. GRCh37 (hg19) VCF-style: chr8-144295807-C-G.
Other names: c.163C>G, p.Pro55Ala (NM_001301772.2); short protein forms P55A.
Identifiers: ClinVar variation 1777004 (VCV001777004.2), dbSNP rs2488907873, ClinGen allele CA372401891.
Genomic context (GRCh38, chr8:143,213,932, plus strand): 5'-CCAGATGACTACGACGAGGAAGATGAGGATGAGGTGGAAGAGGAGGAGACCAACAGGCTC[C>G]CTGGTGGCAGGAGCAGAGGTATGGCCGCCCCAACCCCAGAGCCCTGCTGCCTGATCTGCC-3'
Protein context (NP_835466.2, residues 45-65): EVEEEETNRL[Pro55Ala]GGRSRVLLRC